The following is an entry in ClinVar:

NM_000260.4(MYO7A):c.1554+8G>A

Gene: MYO7A (myosin VIIA; plus strand). Cytogenetic location: 11q13.5.
Variant type: single nucleotide variant.
Coding change: c.1554+8G>A on transcript NM_000260.4 (MANE Select); 8 bases into the intron after coding-DNA position 1554, G replaced by A.
Molecular consequence: intron variant.
Genome position (GRCh38, 1-based): chr11:77,162,338, G>A. VCF-style: chr11-77162338-G-A. GRCh37 (hg19) VCF-style: chr11-76873384-G-A.
Other names: p.?; c.1521+8G>A (NM_001369365.1); c.1554+8G>A (NM_001127180.2).
Identifiers: ClinVar variation 43150 (VCV000043150.69), dbSNP rs111033227, ClinGen allele CA132212.

ClinVar aggregate classification (germline): Conflicting classifications of pathogenicity. Review status: criteria provided, conflicting classifications (1 of 4 stars). 11 submissions from 9 submitters: Uncertain significance (3); Benign (3); Likely benign (4). 1 of the submissions does not count toward it. Last evaluated 2026-05-01.

Conditions:
Usher syndrome type 1 (USH1). Also called: RETINITIS PIGMENTOSA AND CONGENITAL DEAFNESS. Identifiers: Orphanet 231169, Orphanet 886, MedGen C1568247, MONDO:0010168, OMIM 276900.
Autosomal recessive nonsyndromic hearing loss 2. Also called: NEUROSENSORY NONSYNDROMIC RECESSIVE DEAFNESS 2; DEAFNESS, AUTOSOMAL RECESSIVE 2. Identifiers: Orphanet 90636, MedGen C1838701, MONDO:0010807, OMIM 600060.
Autosomal dominant nonsyndromic hearing loss 11. Identifiers: Orphanet 90635, MedGen C1832475, MONDO:0011032, OMIM 601317.
Usher syndrome type 1B (USH1B). Also called: Usher syndrome type IB. Identifiers: MedGen C1848638, MONDO:0700087.

Allele frequency attached by ClinVar (database versions not stated): 1000 Genomes Project 30x 0.00125; ESP Exome Variant Server 0.00153; 1000 Genomes Project 0.00160; TOPMed 0.00183; ExAC 0.00213; gnomAD 0.00245 and 0.00249; gnomAD exomes 0.00255 and 0.00332.
gnomAD v4.1: 4,986 of 1,551,032 alleles (0.32%); highest among the groups gnomAD compares: Non-Finnish European, 0.37%; 13 homozygotes.

Submissions (11):

CeGaT Center for Human Genetics Tuebingen
Classification: Benign. Last evaluated: 2026-05-01. Review status: criteria provided, single submitter. Criteria: CeGaT Center For Human Genetics Tuebingen Variant Classification Criteria Version 2. Collection method: clinical testing. Allele origin: germline. Affected: yes. Observed: 8 variant alleles.
Comment: MYO7A: BP4, BS1, BS2

Labcorp Genetics (formerly Invitae), Labcorp
Classification: Benign. Last evaluated: 2026-01-28. Review status: criteria provided, single submitter. Criteria: Invitae Variant Classification Sherloc (09022015). Collection method: clinical testing. Allele origin: germline.

Mayo Clinic Laboratories, Mayo Clinic
Classification: Likely benign. Last evaluated: 2025-05-08. Review status: criteria provided, single submitter. Criteria: ACMG Guidelines, 2015. Collection method: clinical testing. Allele origin: germline. Observed: 1 variant allele.
Comment: BS1, BP4, BP7

Blueprint Genetics
Classification: Likely benign. Last evaluated: 2024-11-22. Review status: criteria provided, single submitter. Criteria: ACMG Guidelines, 2015. Collection method: clinical testing. Allele origin: germline.

GeneDx
Classification: Likely benign. Last evaluated: 2018-10-12. Review status: criteria provided, single submitter. Criteria: GeneDx Variant Classification Process June 2021. Collection method: clinical testing. Allele origin: germline. Affected: yes.
Comment: This variant is associated with the following publications: (PMID: 22135276, 16470552)

Illumina Laboratory Services, Illumina
Classification: Uncertain significance for Usher syndrome type 1. Last evaluated: 2017-04-27. Review status: criteria provided, single submitter. Criteria: ICSL Variant Classification Criteria 13 December 2019. Collection method: clinical testing. Allele origin: germline.

Illumina Laboratory Services, Illumina
Classification: Uncertain significance for Autosomal recessive nonsyndromic hearing loss 2. Last evaluated: 2017-04-27. Review status: criteria provided, single submitter. Criteria: ICSL Variant Classification Criteria 13 December 2019. Collection method: clinical testing. Allele origin: germline.

Illumina Laboratory Services, Illumina
Classification: Likely benign for Autosomal dominant nonsyndromic hearing loss 11. Last evaluated: 2017-04-27. Review status: criteria provided, single submitter. Criteria: ICSL Variant Classification Criteria 13 December 2019. Collection method: clinical testing. Allele origin: germline.
Comment: This variant was observed as part of a predisposition screen in an ostensibly healthy population. A literature search was performed for the gene, cDNA change, and amino acid change (where applicable). No publications were found based on this search. Allele frequency data from public databases allowed determination this variant is unlikely to cause disease. Therefore, this variant is classified as likely benign.

Laboratory for Molecular Medicine, Mass General Brigham Personalized Medicine
Classification: Benign. Last evaluated: 2015-04-20. Review status: criteria provided, single submitter. Criteria: LMM Criteria. Collection method: clinical testing. Allele origin: germline. Observed: 14 variant alleles.
Comment: c.1554+8G>A in intron 13 of MYO7A: This variant is not expected to have clinical significance because it is not located within the conserved region of the splic e consensus sequence and has been identified in 1.7% (5/298) of Finnish chromoso mes and in 0.4% (33/8958) of European chromosomes by the Exome Aggregation Conso rtium (ExAC; dbSNP rs111033227.

Eurofins Ntd Llc (ga)
Classification: Uncertain significance. Last evaluated: 2015-03-11. Review status: criteria provided, single submitter. Criteria: EGL Classification Definitions 2015. Collection method: clinical testing. Allele origin: germline. Observed: 1 variant allele, 1 heterozygote.

Natera, Inc.
Classification: Benign for Usher syndrome type 1B. Last evaluated: 2020-04-16. Review status: no assertion criteria provided. Collection method: clinical testing. Allele origin: germline. Not counted in ClinVar's aggregate classification.

Literature cited by the submitters: PubMed 16470552 (cited by Mayo Clinic Laboratories, Mayo Clinic and Laboratory for Molecular Medicine, Mass General Brigham Personalized Medicine).